The following is an entry in ClinVar:

ClinVar aggregate classification (germline): Uncertain significance (1 of 4 stars; one submission).

Conditions:
POLD1-related polyposis and colorectal cancer syndrome (CRCS10). Also called: Colorectal cancer 10; COLORECTAL CANCER, SUSCEPTIBILITY TO, ON CHROMOSOME 19q; Colorectal cancer, susceptibility to, 10. Identifiers: Orphanet 220460, MedGen C2675481, MONDO:0012953, OMIM 612591.

Submission:

Labcorp Genetics (formerly Invitae), Labcorp
Classification: Uncertain significance for POLD1-related polyposis and colorectal cancer syndrome. Last evaluated: 2024-11-18. Review status: criteria provided, single submitter. Criteria: Invitae Variant Classification Sherloc (09022015). Collection method: clinical testing. Allele origin: germline.
Comment: This sequence change falls in intron 3 of the POLD1 gene. It does not directly change the encoded amino acid sequence of the POLD1 protein. This variant is not present in population databases (gnomAD no frequency). This variant has not been reported in the literature in individuals affected with POLD1-related conditions. Algorithms developed to predict the effect of sequence changes on RNA splicing suggest that this variant may disrupt the consensus splice site. In summary, the available evidence is currently insufficient to determine the role of this variant in disease. Therefore, it has been classified as a Variant of Uncertain Significance.

NM_002691.4(POLD1):c.317-11T>G

Gene: POLD1 (DNA polymerase delta 1, catalytic subunit; plus strand). Cytogenetic location: 19q13.33.
Variant type: single nucleotide variant.
Coding change: c.317-11T>G on transcript NM_002691.4 (MANE Select); 11 bases into the intron before coding-DNA position 317, T replaced by G.
Molecular consequence: intron variant.
Genome position (GRCh38, 1-based): chr19:50,401,767, T>G. VCF-style: chr19-50401767-T-G. GRCh37 (hg19) VCF-style: chr19-50905024-T-G.
Other names: c.317-11T>G (NM_001256849.1, NM_001308632.1).
Identifiers: ClinVar variation 3685706 (VCV003685706.2).
Genomic context (GRCh38, chr19:50,401,767, plus strand): 5'-TCGAGGCTGTGGAGACACACCTTGGAGGACCCTGAGAGGCATGGCCGCTGTCTTACCCTG[T>G]GACCCCACAGGCCCAGCGCAGCCTGTGCCTGGGGGGCCCCCACCATCCCGCGGCTCCGTG-3'